The following is an entry in ClinVar:

ClinVar aggregate classification (germline): Likely benign (1 of 4 stars; one submission).

Submission:

CeGaT Center for Human Genetics Tuebingen
Classification: Likely benign. Last evaluated: 2026-08-01. Review status: criteria provided, single submitter. Criteria: CeGaT Center For Human Genetics Tuebingen Variant Classification Criteria Version 2. Collection method: clinical testing. Allele origin: germline. Affected: yes. Observed: 3 variant alleles.
Comment: TNPO2: BP4, BP7, BS1

NM_001382241.1(TNPO2):c.1566C>A (p.Thr522=)

Gene: TNPO2 (transportin 2; minus strand). Cytogenetic location: 19p13.13.
Variant type: single nucleotide variant.
Coding change: c.1566C>A on transcript NM_001382241.1 (MANE Select); coding-DNA position 1566, C replaced by A.
Protein change: p.Thr522=; no amino-acid change (threonine 522 retained).
Molecular consequence: synonymous variant. On other transcripts: non-coding transcript variant (6).
Genome position (GRCh38, 1-based): chr19:12,706,298, G>T on the plus strand (C>A on the coding strand, the complement: TNPO2 is on the minus strand). VCF-style: chr19-12706298-G-T. GRCh37 (hg19) VCF-style: chr19-12817112-G-T.
Other names: c.1566C>A, p.Thr522= (NM_001136195.2, NM_001136196.2, NM_001382236.1 and 7 more transcripts).
Identifiers: ClinVar variation 4083733 (VCV004083733.8).